The following is an entry in ClinVar:

ClinVar aggregate classification (germline): Uncertain significance (1 of 4 stars; one submission).

gnomAD v4.1: 32 of 1,587,656 alleles (0.002%); highest among the groups gnomAD compares: South Asian, 0.021%; no homozygotes.

Submission:

Labcorp Genetics (formerly Invitae), Labcorp
Classification: Uncertain significance. Last evaluated: 2021-08-30. Review status: criteria provided, single submitter. Criteria: Invitae Variant Classification Sherloc (09022015). Collection method: clinical testing. Allele origin: germline.
Comment: This sequence change replaces proline with threonine at codon 346 of the COL9A1 protein (p.Pro346Thr). The proline residue is highly conserved and there is a small physicochemical difference between proline and threonine. This variant is present in population databases (rs779666896, ExAC 0.02%). This variant has not been reported in the literature in individuals affected with COL9A1-related conditions. Advanced modeling of protein sequence and biophysical properties (such as structural, functional, and spatial information, amino acid conservation, physicochemical variation, residue mobility, and thermodynamic stability) performed at Invitae indicates that this missense variant is not expected to disrupt COL9A1 protein function. In summary, the available evidence is currently insufficient to determine the role of this variant in disease. Therefore, it has been classified as a Variant of Uncertain Significance.

NM_001851.6(COL9A1):c.1036C>A (p.Pro346Thr)

Gene: COL9A1 (collagen type IX alpha 1 chain; minus strand). Cytogenetic location: 6q13.
Variant type: single nucleotide variant.
Coding change: c.1036C>A on transcript NM_001851.6 (MANE Select); coding-DNA position 1036, C replaced by A.
Protein change: p.Pro346Thr; replaces proline 346 with threonine.
Molecular consequence: missense variant. On other transcripts: non-coding transcript variant (1).
Genome position (GRCh38, 1-based): chr6:70,274,076, G>T on the plus strand (C>A on the coding strand, the complement: COL9A1 is on the minus strand). VCF-style: chr6-70274076-G-T. GRCh37 (hg19) VCF-style: chr6-70983779-G-T.
Other names: c.307C>A, p.Pro103Thr (NM_001377289.1, NM_001377290.1, NM_078485.4); short protein forms P103T, P346T.
Identifiers: ClinVar variation 1484985 (VCV001484985.5), dbSNP rs779666896, ClinGen allele CA3882480.
Genomic context (GRCh38, chr6:70,274,076, plus strand): 5'-TTTTCAATTCTGTAGCTTTACATTTACTTACTGGAAATCCACGCGATCCAGGCACACCAG[G>T]TTCTCCCTAAAAATAAAAATAGTTTCATTGTACTGACCTTTCATATCATGAATATGTAAA-3'
Protein context (NP_001842.3, residues 336-356): SIGSKGQKGE[Pro346Thr]GVPGSRGFPG